The following is an entry in ClinVar:

NM_031935.3(HMCN1):c.7957G>A (p.Gly2653Arg)

Gene: HMCN1 (hemicentin 1; plus strand). Cytogenetic location: 1q31.1.
Variant type: single nucleotide variant.
Coding change: c.7957G>A on transcript NM_031935.3 (MANE Select); coding-DNA position 7957, G replaced by A.
Protein change: p.Gly2653Arg; replaces glycine 2653 with arginine.
Molecular consequence: missense variant.
Genome position (GRCh38, 1-based): chr1:186,069,740, G>A. VCF-style: chr1-186069740-G-A. GRCh37 (hg19) VCF-style: chr1-186038872-G-A.
Other names: short protein forms G2653R.
Identifiers: ClinVar variation 876657 (VCV000876657.7), dbSNP rs1172387552, ClinGen allele CA343909648.
Genomic context (GRCh38, chr1:186,069,740, plus strand): 5'-ATCCTCAATGCACAGGAGGACAATGCTGGAAGATACTCTTGTGTAGCCACGAATGAGGCT[G>A]GAGAAATGATAAAGCACTATGAAGTGAAGGTGTACAGTAAGTTCTGAAAGAATACTATGT-3'
Protein context (NP_114141.2, residues 2643-2663): RYSCVATNEA[Gly2653Arg]EMIKHYEVKV

ClinVar aggregate classification (germline): Uncertain significance. Review status: criteria provided, multiple submitters, no conflicts (2 of 4 stars). 2 submissions from 2 submitters: Uncertain significance (2). Last evaluated 2025-10-29.

Conditions:
Age related macular degeneration 1 (ARMD1). Also called: MACULOPATHY, AGE-RELATED, 1. Identifiers: MedGen C1864205, MONDO:0011285, OMIM 603075.

Allele frequency attached by ClinVar (database versions not stated): TOPMed 0.00001; gnomAD exomes 0.00002 and 0.00001; gnomAD 0.00001.
gnomAD v4.1: 15 of 1,613,010 alleles (0.00093%); highest among the groups gnomAD compares: African/African-American, 0.0013%; no homozygotes.

Submissions (2):

Labcorp Genetics (formerly Invitae), Labcorp
Classification: Uncertain significance. Last evaluated: 2025-10-29. Review status: criteria provided, single submitter. Criteria: Invitae Variant Classification Sherloc (09022015). Collection method: clinical testing. Allele origin: germline.
Comment: This sequence change replaces glycine, which is neutral and non-polar, with arginine, which is basic and polar, at codon 2653 of the HMCN1 protein (p.Gly2653Arg). This variant is present in population databases (no rsID available, gnomAD 0.007%). This variant has not been reported in the literature in individuals affected with HMCN1-related conditions. ClinVar contains an entry for this variant (Variation ID: 876657). An algorithm developed to predict the effect of missense changes on protein structure and function (PolyPhen-2) suggests that this variant is likely to be disruptive. In summary, the available evidence is currently insufficient to determine the role of this variant in disease. Therefore, it has been classified as a Variant of Uncertain Significance.

Illumina Laboratory Services, Illumina
Classification: Uncertain significance for Age related macular degeneration 1. Last evaluated: 2018-01-12. Review status: criteria provided, single submitter. Criteria: ICSL Variant Classification Criteria 13 December 2019. Collection method: clinical testing. Allele origin: germline.